The following is an entry in ClinVar:

ClinVar aggregate classification (germline): Uncertain significance (1 of 4 stars; one submission).

gnomAD v4.1: 2 of 1,614,084 alleles (0.00012%); highest among the groups gnomAD compares: Admixed American, 0.0017%; no homozygotes.

Submission:

Labcorp Genetics (formerly Invitae), Labcorp
Classification: Uncertain significance. Last evaluated: 2024-10-02. Review status: criteria provided, single submitter. Criteria: Invitae Variant Classification Sherloc (09022015). Collection method: clinical testing. Allele origin: germline.
Comment: This sequence change replaces glutamic acid, which is acidic and polar, with alanine, which is neutral and non-polar, at codon 250 of the DHX32 protein (p.Glu250Ala). This variant is present in population databases (no rsID available, gnomAD no frequency). This variant has not been reported in the literature in individuals affected with DHX32-related conditions. An algorithm developed to predict the effect of missense changes on protein structure and function outputs the following: PolyPhen-2: "Benign". The alanine amino acid residue is found in multiple mammalian species, which suggests that this missense change does not adversely affect protein function. In summary, the available evidence is currently insufficient to determine the role of this variant in disease. Therefore, it has been classified as a Variant of Uncertain Significance.

NM_018180.3(DHX32):c.749A>C (p.Glu250Ala)

Gene: DHX32 (DEAH-box helicase 32 (putative); minus strand). Cytogenetic location: 10q26.2.
Variant type: single nucleotide variant.
Coding change: c.749A>C on transcript NM_018180.3 (MANE Select); coding-DNA position 749, A replaced by C.
Protein change: p.Glu250Ala; replaces glutamic acid 250 with alanine.
Molecular consequence: missense variant.
Genome position (GRCh38, 1-based): chr10:125,859,703, T>G on the plus strand (A>C on the coding strand, the complement: DHX32 is on the minus strand). VCF-style: chr10-125859703-T-G. GRCh37 (hg19) VCF-style: chr10-127548272-T-G.
Other names: short protein forms E250A.
Identifiers: ClinVar variation 3620605 (VCV003620605.2).